The following is an entry in ClinVar:

ClinVar aggregate classification (germline): Uncertain significance (1 of 4 stars; one submission).

Submission:

Labcorp Genetics (formerly Invitae), Labcorp
Classification: Uncertain significance. Last evaluated: 2025-06-03. Review status: criteria provided, single submitter. Criteria: Invitae Variant Classification Sherloc (09022015). Collection method: clinical testing. Allele origin: germline.
Comment: This sequence change replaces serine, which is neutral and polar, with phenylalanine, which is neutral and non-polar, at codon 33 of the TBXA2R protein (p.Ser33Phe). This variant is not present in population databases (gnomAD no frequency). This variant has not been reported in the literature in individuals affected with TBXA2R-related conditions. Invitae Evidence Modeling of protein sequence and biophysical properties (such as structural, functional, and spatial information, amino acid conservation, physicochemical variation, residue mobility, and thermodynamic stability) indicates that this missense variant is not expected to disrupt TBXA2R protein function with a negative predictive value of 80%. In summary, the available evidence is currently insufficient to determine the role of this variant in disease. Therefore, it has been classified as a Variant of Uncertain Significance.

NM_001060.6(TBXA2R):c.98C>T (p.Ser33Phe)

Gene: TBXA2R (thromboxane A2 receptor; minus strand). Cytogenetic location: 19p13.3.
Variant type: single nucleotide variant.
Coding change: c.98C>T on transcript NM_001060.6 (MANE Select); coding-DNA position 98, C replaced by T.
Protein change: p.Ser33Phe; replaces serine 33 with phenylalanine.
Molecular consequence: missense variant.
Genome position (GRCh38, 1-based): chr19:3,600,537, G>A on the plus strand (C>T on the coding strand, the complement: TBXA2R is on the minus strand). VCF-style: chr19-3600537-G-A. GRCh37 (hg19) VCF-style: chr19-3600535-G-A.
Other names: c.98C>T, p.Ser33Phe (NM_201636.3); short protein forms S33F.
Identifiers: ClinVar variation 4740855 (VCV004740855.1).